The following is an entry in ClinVar:

NM_015650.4(TRAF3IP1):c.8C>G (p.Ala3Gly)

Gene: TRAF3IP1 (TRAF3 interacting protein 1; plus strand). Cytogenetic location: 2q37.3.
Variant type: single nucleotide variant.
Coding change: c.8C>G on transcript NM_015650.4 (MANE Select); coding-DNA position 8, C replaced by G.
Protein change: p.Ala3Gly; replaces alanine 3 with glycine.
Molecular consequence: missense variant.
Genome position (GRCh38, 1-based): chr2:238,320,670, C>G. VCF-style: chr2-238320670-C-G. GRCh37 (hg19) VCF-style: chr2-239229311-C-G.
Other names: c.8C>G, p.Ala3Gly (NM_001139490.1); short protein forms A3G.
Identifiers: ClinVar variation 849243 (VCV000849243.10), dbSNP rs1697476086, ClinGen allele CA351239434.
Genomic context (GRCh38, chr2:238,320,670, plus strand): 5'-CTCGGCCAGGCCGGCTGAGGGGCGCGGGCGGCCAGCGGGCGGCGGACGCCGTCATGAACG[C>G]GGCGGTGGTGAGGCGGACGCAGGAGGCGCTGGGGAAAGTGATTCGGAGGCCGCCGCTGAC-3'
Protein context (NP_056465.2, residues 1-13): MN[Ala3Gly]AVVRRTQEAL

ClinVar aggregate classification (germline): Uncertain significance (1 of 4 stars; one submission).

gnomAD v4.1: 3 of 1,392,198 alleles (0.00022%); highest among the groups gnomAD compares: Non-Finnish European, 0.00019%; no homozygotes.

Submission:

Labcorp Genetics (formerly Invitae), Labcorp
Classification: Uncertain significance. Last evaluated: 2019-12-30. Review status: criteria provided, single submitter. Criteria: Invitae Variant Classification Sherloc (09022015). Collection method: clinical testing. Allele origin: germline.
Comment: In summary, the available evidence is currently insufficient to determine the role of this variant in disease. Therefore, it has been classified as a Variant of Uncertain Significance. Algorithms developed to predict the effect of missense changes on protein structure and function (SIFT, PolyPhen-2, Align-GVGD) all suggest that this variant is likely to be tolerated, but these predictions have not been confirmed by published functional studies and their clinical significance is uncertain. This variant has not been reported in the literature in individuals with TRAF3IP1-related conditions. The frequency data for this variant in the population databases is considered unreliable, as metrics indicate insufficient coverage at this position in the ExAC database. This sequence change replaces alanine with glycine at codon 3 of the TRAF3IP1 protein (p.Ala3Gly). The alanine residue is moderately conserved and there is a small physicochemical difference between alanine and glycine.